The following is an entry in ClinVar:

ClinVar aggregate classification (germline): Uncertain significance (1 of 4 stars; one submission).

gnomAD v4.1: 2 of 1,549,900 alleles (0.00013%); highest among the groups gnomAD compares: East Asian, 0.0025%; no homozygotes.

Submission:

Labcorp Genetics (formerly Invitae), Labcorp
Classification: Uncertain significance. Last evaluated: 2022-02-04. Review status: criteria provided, single submitter. Criteria: Invitae Variant Classification Sherloc (09022015). Collection method: clinical testing. Allele origin: germline.
Comment: This sequence change replaces valine, which is neutral and non-polar, with aspartic acid, which is acidic and polar, at codon 1270 of the EYS protein (p.Val1270Asp). This variant is not present in population databases (gnomAD no frequency). This variant has not been reported in the literature in individuals affected with EYS-related conditions. ClinVar contains an entry for this variant (Variation ID: 1035878). Algorithms developed to predict the effect of missense changes on protein structure and function are either unavailable or do not agree on the potential impact of this missense change (SIFT: "Deleterious"; PolyPhen-2: "Benign"; Align-GVGD: "Class C0"). This variant disrupts the p.Val1270 amino acid residue in EYS. Other variant(s) that disrupt this residue have been determined to be pathogenic (PMID: 31814702, 32218477). This suggests that this residue is clinically significant, and that variants that disrupt this residue are likely to be disease-causing. In summary, the available evidence is currently insufficient to determine the role of this variant in disease. Therefore, it has been classified as a Variant of Uncertain Significance.

Literature cited by the submitters: PubMed 31814702; PubMed 32218477.

NM_001142800.2(EYS):c.3809T>A (p.Val1270Asp)

Gene: EYS (eyes shut homolog; minus strand). Cytogenetic location: 6q12.
Variant type: single nucleotide variant.
Coding change: c.3809T>A on transcript NM_001142800.2 (MANE Select); coding-DNA position 3809, T replaced by A.
Protein change: p.Val1270Asp; replaces valine 1270 with aspartic acid.
Molecular consequence: missense variant.
Genome position (GRCh38, 1-based): chr6:64,593,185, A>T on the plus strand (T>A on the coding strand, the complement: EYS is on the minus strand). VCF-style: chr6-64593185-A-T. GRCh37 (hg19) VCF-style: chr6-65303078-A-T.
Other names: c.3809T>A, p.Val1270Asp (NM_001292009.2); short protein forms V1270D.
Identifiers: ClinVar variation 1035878 (VCV001035878.6), dbSNP rs368856942, ClinGen allele CA140341133.